The following is an entry in ClinVar:

NM_006445.4(PRPF8):c.5041C>G (p.Arg1681Gly)

Gene: PRPF8 (pre-mRNA processing factor 8; minus strand). Cytogenetic location: 17p13.3.
Variant type: single nucleotide variant.
Coding change: c.5041C>G on transcript NM_006445.4 (MANE Select); coding-DNA position 5041, C replaced by G.
Protein change: p.Arg1681Gly; replaces arginine 1681 with glycine.
Molecular consequence: missense variant.
Genome position (GRCh38, 1-based): chr17:1,659,454, G>C on the plus strand (C>G on the coding strand, the complement: PRPF8 is on the minus strand). VCF-style: chr17-1659454-G-C. GRCh37 (hg19) VCF-style: chr17-1562748-G-C.
Other names: short protein forms R1681G.
Identifiers: ClinVar variation 4795534 (VCV004795534.1).

ClinVar aggregate classification (germline): Uncertain significance (1 of 4 stars; one submission).

Submission:

GeneDx
Classification: Uncertain significance. Last evaluated: 2025-08-13. Review status: criteria provided, single submitter. Criteria: GeneDx Variant Classification Process June 2021. Collection method: clinical testing. Allele origin: germline. Affected: yes.
Comment: Not observed at significant frequency in large population cohorts (gnomAD); In silico analysis supports that this missense variant has a deleterious effect on protein structure/function; Has not been previously published as pathogenic or benign to our knowledge